The following is an entry in ClinVar:

ClinVar aggregate classification (germline): Uncertain significance (1 of 4 stars; one submission).

Submission:

Labcorp Genetics (formerly Invitae), Labcorp
Classification: Uncertain significance. Last evaluated: 2022-07-23. Review status: criteria provided, single submitter. Criteria: Invitae Variant Classification Sherloc (09022015). Collection method: clinical testing. Allele origin: germline.
Comment: This sequence change replaces proline, which is neutral and non-polar, with threonine, which is neutral and polar, at codon 753 of the TMPRSS15 protein (p.Pro753Thr). This variant is not present in population databases (gnomAD no frequency). In summary, the available evidence is currently insufficient to determine the role of this variant in disease. Therefore, it has been classified as a Variant of Uncertain Significance. Algorithms developed to predict the effect of missense changes on protein structure and function are either unavailable or do not agree on the potential impact of this missense change (SIFT: "Not Available"; PolyPhen-2: "Benign"; Align-GVGD: "Not Available"). This variant has not been reported in the literature in individuals affected with TMPRSS15-related conditions.

NM_002772.3(TMPRSS15):c.2257C>A (p.Pro753Thr)

Gene: TMPRSS15 (transmembrane serine protease 15; minus strand). Cytogenetic location: 21q21.1.
Variant type: single nucleotide variant.
Coding change: c.2257C>A on transcript NM_002772.3 (MANE Select); coding-DNA position 2257, C replaced by A.
Protein change: p.Pro753Thr; replaces proline 753 with threonine.
Molecular consequence: missense variant.
Genome position (GRCh38, 1-based): chr21:18,297,738, G>T on the plus strand (C>A on the coding strand, the complement: TMPRSS15 is on the minus strand). VCF-style: chr21-18297738-G-T. GRCh37 (hg19) VCF-style: chr21-19670055-G-T.
Other names: short protein forms P753T.
Identifiers: ClinVar variation 1713428 (VCV001713428.5), dbSNP rs908921511, ClinGen allele CA409848742.
Genomic context (GRCh38, chr21:18,297,738, plus strand): 5'-TCTATCTTCTGCCATGTCTATGTACAACTAGTCTAAGAACAGATTTAGGGACCCACCTGG[G>T]TGTTAGTATTAAGTGGCCATCAGGTGCTGTGTTTAATTTGACAAATGGTCCACCATCGGT-3'
Protein context (NP_002763.3, residues 743-763): TAPDGHLILT[Pro753Thr]SQQCLQDSLI